The following is an entry in ClinVar:

ClinVar aggregate classification (germline): Uncertain significance (1 of 4 stars; one submission).

gnomAD v4.1: 4 of 1,549,750 alleles (0.00026%); highest among the groups gnomAD compares: Non-Finnish European, 0.00026%; no homozygotes.

Submission:

Labcorp Genetics (formerly Invitae), Labcorp
Classification: Uncertain significance. Last evaluated: 2024-09-29. Review status: criteria provided, single submitter. Criteria: Invitae Variant Classification Sherloc (09022015). Collection method: clinical testing. Allele origin: germline.
Comment: This sequence change falls in intron 3 of the RHOBTB2 gene. It does not directly change the encoded amino acid sequence of the RHOBTB2 protein. It affects a nucleotide within the consensus splice site. This variant is present in population databases (rs763043779, gnomAD 0.002%). This variant has not been reported in the literature in individuals affected with RHOBTB2-related conditions. Variants that disrupt the consensus splice site are a relatively common cause of aberrant splicing (PMID: 17576681, 9536098). Algorithms developed to predict the effect of sequence changes on RNA splicing suggest that this variant may disrupt the consensus splice site. In summary, the available evidence is currently insufficient to determine the role of this variant in disease. Therefore, it has been classified as a Variant of Uncertain Significance.

Literature cited by the submitters: PubMed 17576681; PubMed 9536098.

NC_000008.11:g.22994645T>A

Genes: RHOBTB2 (Rho related BTB domain containing 2; plus strand), RHOBTB2-AS1 (RHOBTB2 antisense RNA 1; minus strand). Cytogenetic location: 8p21.3.
Variant type: single nucleotide variant.
Molecular consequence: intron variant (on NM_001160036.2).
Genome position: GRCh38 VCF-style: chr8-22994645-T-A. GRCh37 (hg19) VCF-style: chr8-22852158-T-A.
Other names: c.56+6T>A (NM_001160036.2).
Identifiers: ClinVar variation 3679789 (VCV003679789.2).
Genomic context (GRCh38, chr8:22,994,645, plus strand): 5'-TGCAAGCCTGGAGAAAAGGCCCCGATGGCCCCCAGAAGACCTCTTCAGACAGCATGTGAG[T>A]AGCTACTGTGTACTGTGCTCTCCCTTCCCAAACATTGATTCATCCATCGAGCATTTATTA-3'